The following is an entry in ClinVar:

NM_001243133.2(NLRP3):c.-231G>A

Gene: NLRP3 (NLR family pyrin domain containing 3; plus strand). Cytogenetic location: 1q44.
Variant type: single nucleotide variant.
Coding change: c.-231G>A on transcript NM_001243133.2 (MANE Select); 231 bases upstream of the start codon, G replaced by A.
Molecular consequence: 5 prime UTR variant. On other transcripts: intron variant (1).
Genome position (GRCh38, 1-based): chr1:247,418,570, G>A. VCF-style: chr1-247418570-G-A. GRCh37 (hg19) VCF-style: chr1-247581872-G-A.
Other names: c.-231G>A (NM_001127461.3, NM_001127462.3, NM_183395.3); c.-225G>A (NM_004895.5); c.-44-187G>A (NM_001079821.3).
Identifiers: ClinVar variation 296932 (VCV000296932.6), dbSNP rs138900557, ClinGen allele CA10610851.

ClinVar aggregate classification (germline): Benign. Review status: criteria provided, multiple submitters, no conflicts (2 of 4 stars). 4 submissions from 2 submitters: Benign (4). Last evaluated 2018-01-13.

Conditions:
Familial amyloid nephropathy with urticaria AND deafness (MWS). Also called: UDA SYNDROME; URTICARIA-DEAFNESS-AMYLOIDOSIS SYNDROME; MUCKLE-WELLS SYNDROME; Urticaria, deafness and amyloidosis; CRYOPYRIN-ASSOCIATED PERIODIC SYNDROME 2. Identifiers: Orphanet 575, MedGen C0268390, MONDO:0008633, OMIM 191900.
Familial cold autoinflammatory syndrome 1 (FCAS1). Also called: CRYOPYRIN-ASSOCIATED PERIODIC SYNDROME 1; Familial cold inflammatory syndrome 1. Identifiers: Orphanet 47045, MedGen C4551895, MONDO:0007349, OMIM 120100.
Chronic infantile neurological, cutaneous and articular syndrome (CINCA). Also called: CHRONIC NEUROLOGIC CUTANEOUS AND ARTICULAR SYNDROME; CINCA syndrome; Prieur Griscelli syndrome; CRYOPYRIN-ASSOCIATED PERIODIC SYNDROME 3. Identifiers: Orphanet 1451, MedGen C0409818, MONDO:0011776, OMIM 607115.

Allele frequency attached by ClinVar (database versions not stated): 1000 Genomes Project 0.01577; 1000 Genomes Project 30x 0.01640; TOPMed 0.02524; gnomAD 0.03501 and 0.03547; gnomAD exomes 0.04008.
gnomAD v4.1: 20,491 of 534,594 alleles (3.8%); highest among the groups gnomAD compares: Non-Finnish European, 5%; 569 homozygotes.

Submissions (4):

Illumina Laboratory Services, Illumina
Classification: Benign for Familial amyloid nephropathy with urticaria AND deafness. Last evaluated: 2018-01-13. Review status: criteria provided, single submitter. Criteria: ICSL Variant Classification Criteria 13 December 2019. Collection method: clinical testing. Allele origin: germline.
Comment: This variant was observed in the ICSL laboratory as part of a predisposition screen in an ostensibly healthy population. It had not been previously curated by ICSL or reported in the Human Gene Mutation Database (HGMD: prior to June 1st, 2018), and was therefore a candidate for classification through an automated scoring system. Utilizing variant allele frequency, disease prevalence and penetrance estimates, and inheritance mode, an automated score was calculated to assess if this variant is too frequent to cause the disease. Based on the score and internal cut-off values, a variant classified as benign is not then subjected to further curation. The score for this variant resulted in a classification of benign for this disease.

Illumina Laboratory Services, Illumina
Classification: Benign for Familial cold autoinflammatory syndrome 1. Last evaluated: 2018-01-13. Review status: criteria provided, single submitter. Criteria: ICSL Variant Classification Criteria 13 December 2019. Collection method: clinical testing. Allele origin: germline.
Comment: the same text as in the submission from Illumina Laboratory Services, Illumina above.

Illumina Laboratory Services, Illumina
Classification: Benign for Chronic infantile neurological, cutaneous and articular syndrome. Last evaluated: 2018-01-13. Review status: criteria provided, single submitter. Criteria: ICSL Variant Classification Criteria 13 December 2019. Collection method: clinical testing. Allele origin: germline.
Comment: the same text as in the submission from Illumina Laboratory Services, Illumina above.

Breakthrough Genomics
Classification: Benign. Review status: criteria provided, single submitter. Criteria: ACMG Guidelines, 2015. Collection method: not provided. Allele origin: germline. Inheritance: Autosomal dominant inheritance. Affected: yes.